The following is an entry in ClinVar:

NM_000293.3(PHKB):c.522del (p.Val175fs)

Gene: PHKB (phosphorylase kinase regulatory subunit beta; plus strand). Cytogenetic location: 16q12.1.
Variant type: Deletion.
Coding change: c.522del on transcript NM_000293.3 (MANE Select); coding-DNA position 522, one base deleted (A; older notation c.522delA).
Protein change: p.Val175fs; shifts the reading frame from valine 175.
Molecular consequence: frameshift variant.
Genome position (GRCh38, 1-based): chr16:47,515,529, A deleted. VCF-style (leftmost placement, unchanged base first): chr16-47515528-CA-C. GRCh37 (hg19) VCF-style: chr16-47549439-CA-C.
Other names: c.501del, p.Val168fs (NM_001031835.3); c.522del, p.Val175fs (NM_001363837.1); short protein forms V168fs, V175fs.
Identifiers: ClinVar variation 632255 (VCV000632255.8), dbSNP rs1242540921, ClinGen allele CA721077954.
Genomic context (GRCh38, chr16:47,515,528, plus strand): 5'-ATAACTTGTTTTGGTTGTTTCCTTTAACCTTTTAATGTTTCTGTTTGTTGCAGATAAATG[CA>C]GTGTCACTTTATCTCCTTTACCTTGTGGAAATGATTTCCTCAGGACTCCAGATTATCTAC-3'

ClinVar aggregate classification (germline): Pathogenic/Likely pathogenic. Review status: criteria provided, multiple submitters, no conflicts (2 of 4 stars). 2 submissions from 2 submitters: Pathogenic (1); Likely pathogenic (1). Last evaluated 2023-03-14.

Conditions:
Glycogen storage disease IXb (GSD9B). Also called: PHOSPHORYLASE KINASE DEFICIENCY OF LIVER AND MUSCLE, AUTOSOMAL RECESSIVE; GLYCOGENOSIS OF LIVER AND MUSCLE, AUTOSOMAL RECESSIVE; GSD IXb. Identifiers: Orphanet 79240, MedGen C0543514, MONDO:0009868, OMIM 261750.
PHKB-related disorder. Also called: PHKB-related condition.

Allele frequency attached by ClinVar (database versions not stated): gnomAD exomes below 0.00001; TOPMed below 0.00001; gnomAD 0.00001.

Submissions (2):

Labcorp Genetics (formerly Invitae), Labcorp
Classification: Pathogenic for Glycogen storage disease IXb. Last evaluated: 2023-03-14. Review status: criteria provided, single submitter. Criteria: Invitae Variant Classification Sherloc (09022015). Collection method: clinical testing. Allele origin: germline.
Comment: For these reasons, this variant has been classified as Pathogenic. ClinVar contains an entry for this variant (Variation ID: 632255). This variant has not been reported in the literature in individuals affected with PHKB-related conditions. This variant is not present in population databases (gnomAD no frequency). This sequence change creates a premature translational stop signal (p.Val175Cysfs*11) in the PHKB gene. It is expected to result in an absent or disrupted protein product. Loss-of-function variants in PHKB are known to be pathogenic (PMID: 9215682, 9326319).

Blueprint Genetics
Classification: Likely pathogenic for PHKB-related disorders. Last evaluated: 2022-06-02. Review status: criteria provided, single submitter. Criteria: ACMG Guidelines, 2015. Collection method: clinical testing. Allele origin: germline. Affected: yes. Observed: 5 variant alleles.

Literature cited by the submitters: PubMed 9215682 (cited by Labcorp Genetics (formerly Invitae), Labcorp); PubMed 9326319 (cited by Labcorp Genetics (formerly Invitae), Labcorp).